The following is an entry in ClinVar:

ClinVar aggregate classification (germline): Uncertain significance (1 of 4 stars; one submission).

Conditions:
Epidermolysis bullosa simplex with nail dystrophy (EBS5D). Identifiers: MedGen C4225309, MONDO:0014661, OMIM 616487.
Epidermolysis bullosa simplex, Ogna type (EBS5A). Also called: EPIDERMOLYSIS BULLOSA SIMPLEX 5A, OGNA TYPE; Pidermolysis bullosa simplex 5A, Ogna type. Identifiers: Orphanet 79401, MedGen C0432317, MONDO:0007555, OMIM 131950.
Autosomal recessive limb-girdle muscular dystrophy type 2Q (LGMDR17). Also called: MUSCULAR DYSTROPHY, LIMB-GIRDLE, AUTOSOMAL RECESSIVE 17. Identifiers: Orphanet 254361, MedGen C3150989, MONDO:0013390, OMIM 613723.
Epidermolysis bullosa simplex 5B, with muscular dystrophy (EBS5B). Also called: EPIDERMOLYSIS BULLOSA SIMPLEX AND LIMB-GIRDLE MUSCULAR DYSTROPHY; Epidermolysis bullosa simplex with muscular dystrophy. Identifiers: Orphanet 257, MedGen C2931072, MONDO:0009181, OMIM 226670.
Epidermolysis bullosa simplex 5C, with pyloric atresia (EBS5C). Also called: PLEC-Related Epidermolysis Bullosa with Pyloric Atresia; Epidermolysis bullosa simplex with pyloric atresia; PLEC1-Related Epidermolysis Bullosa with Pyloric Atresia. Identifiers: Orphanet 158684, MedGen C2677349, MONDO:0012807, OMIM 612138.

Submission:

Labcorp Genetics (formerly Invitae), Labcorp
Classification: Uncertain significance for Autosomal recessive limb-girdle muscular dystrophy type 2Q; Epidermolysis bullosa simplex, Ogna type; Epidermolysis bullosa simplex with nail dystrophy; Epidermolysis bullosa simplex 5C, with pyloric atresia; Epidermolysis bullosa simplex 5B, with muscular dystrophy. Last evaluated: 2025-12-18. Review status: criteria provided, single submitter. Criteria: Invitae Variant Classification Sherloc (09022015). Collection method: clinical testing. Allele origin: germline.
Comment: The PLEC gene has multiple clinically relevant transcripts. This variant occurs in alternate transcript NM_201378.3, and corresponds to NM_000445.4: c.193+1745C>A in the primary transcript. This sequence change replaces alanine, which is neutral and non-polar, with aspartic acid, which is acidic and polar, at codon 14 of the PLEC protein (p.Ala14Asp). This variant is not present in population databases (gnomAD no frequency). This variant has not been reported in the literature in individuals affected with PLEC-related conditions. Experimental studies and prediction algorithms are not available or were not evaluated, and the functional significance of this variant is currently unknown. Algorithms developed to predict the effect of sequence changes on RNA splicing suggest that this variant is not likely to affect RNA splicing. In summary, the available evidence is currently insufficient to determine the role of this variant in disease. Therefore, it has been classified as a Variant of Uncertain Significance.

NM_201378.4(PLEC):c.41C>A (p.Ala14Asp)

Gene: PLEC (plectin; minus strand). Cytogenetic location: 8q24.3.
Variant type: single nucleotide variant.
Coding change: c.41C>A on transcript NM_201378.4 (MANE Plus Clinical); coding-DNA position 41, C replaced by A.
Protein change: p.Ala14Asp; replaces alanine 14 with aspartic acid.
Molecular consequence: missense variant. On other transcripts: intron variant (2).
Genome position (GRCh38, 1-based): chr8:143,973,432, G>T on the plus strand (C>A on the coding strand, the complement: PLEC is on the minus strand). VCF-style: chr8-143973432-G-T. GRCh37 (hg19) VCF-style: chr8-145047600-G-T.
Other names: c.193+1745C>A (NM_001410941.1, NM_000445.5); short protein forms A14D.
Identifiers: ClinVar variation 4786962 (VCV004786962.1).